The following is an entry in ClinVar:

NM_198253.3(TERT):c.1457G>A (p.Arg486His)

Gene: TERT (telomerase reverse transcriptase; minus strand). Cytogenetic location: 5p15.33.
Variant type: single nucleotide variant.
Coding change: c.1457G>A on transcript NM_198253.3 (MANE Select); coding-DNA position 1457, G replaced by A.
Protein change: p.Arg486His; replaces arginine 486 with histidine.
Molecular consequence: missense variant. On other transcripts: non-coding transcript variant (2).
Genome position (GRCh38, 1-based): chr5:1,293,429, C>T on the plus strand (G>A on the coding strand, the complement: TERT is on the minus strand). VCF-style: chr5-1293429-C-T. GRCh37 (hg19) VCF-style: chr5-1293544-C-T.
Other names: c.1457G>A, p.Arg486His (NM_001193376.3); short protein forms R486H.
Identifiers: ClinVar variation 1378617 (VCV001378617.21), dbSNP rs1179486322, ClinGen allele CA359085529.
Genomic context (GRCh38, chr5:1,293,429, plus strand): 5'-TGCAGCGAGAGCTTGGCATGCTTCCCCAGGGAGATGAACTTCTTGGTGTTCCTGAGGAAG[C>T]GGCGTTCGTTGTGCCTGGAGCCCCAGAGGCCTGGGGGCACCAGCCGGCGCAGGCAGGCCC-3'
Protein context (NP_937983.2, residues 476-496): GLWGSRHNER[Arg486His]FLRNTKKFIS

ClinVar aggregate classification (germline): Uncertain significance. Review status: criteria provided, multiple submitters, no conflicts (2 of 4 stars). 2 submissions from 2 submitters: Uncertain significance (2). Last evaluated 2025-03-01.

Conditions:
Dyskeratosis congenita, autosomal dominant 2. Identifiers: MedGen C3151443, MONDO:0013521, OMIM 613989.
Idiopathic Pulmonary Fibrosis. Also called: Idiopathic fibrosing alveolitis, chronic form; idiopathic fibrosing alveolitis. Identifiers: Orphanet 2032, MedGen C1800706, MeSH D054990, MONDO:0800504.

Allele frequency attached by ClinVar (database versions not stated): gnomAD exomes below 0.00001.
gnomAD v4.1: 1 of 1,612,606 alleles (0.000062%); highest among the groups gnomAD compares: Non-Finnish European, 0.000085%; no homozygotes.

Submissions (2):

CeGaT Center for Human Genetics Tuebingen
Classification: Uncertain significance. Last evaluated: 2025-03-01. Review status: criteria provided, single submitter. Criteria: CeGaT Center For Human Genetics Tuebingen Variant Classification Criteria Version 2. Collection method: clinical testing. Allele origin: germline. Affected: yes. Observed: 2 variant alleles.
Comment: TERT: PM5, PM2:Supporting

Labcorp Genetics (formerly Invitae), Labcorp
Classification: Uncertain significance for Dyskeratosis congenita, autosomal dominant 2; Idiopathic Pulmonary Fibrosis. Last evaluated: 2021-08-30. Review status: criteria provided, single submitter. Criteria: Invitae Variant Classification Sherloc (09022015). Collection method: clinical testing. Allele origin: germline.
Comment: This sequence change replaces arginine with histidine at codon 486 of the TERT protein (p.Arg486His). The arginine residue is moderately conserved and there is a small physicochemical difference between arginine and histidine. This variant is not present in population databases (ExAC no frequency). This variant has not been reported in the literature in individuals affected with TERT-related conditions. Advanced modeling of protein sequence and biophysical properties (such as structural, functional, and spatial information, amino acid conservation, physicochemical variation, residue mobility, and thermodynamic stability) performed at Invitae indicates that this missense variant is expected to disrupt TERT protein function. In summary, the available evidence is currently insufficient to determine the role of this variant in disease. Therefore, it has been classified as a Variant of Uncertain Significance.